The following is an entry in ClinVar:

NM_000051.4(ATM):c.8138G>C (p.Arg2713Thr)

Genes: ATM (ATM serine/threonine kinase; plus strand), C11orf65 (chromosome 11 open reading frame 65; minus strand). Cytogenetic location: 11q22.3.
Variant type: single nucleotide variant.
Coding change: c.8138G>C on transcript NM_000051.4 (MANE Select); coding-DNA position 8138, G replaced by C.
Protein change: p.Arg2713Thr; replaces arginine 2713 with threonine.
Molecular consequence: missense variant. On other transcripts: intron variant (2).
Genome position (GRCh38, 1-based): chr11:108,335,096, G>C. VCF-style: chr11-108335096-G-C. GRCh37 (hg19) VCF-style: chr11-108205823-G-C.
Other names: c.8138G>C, p.Arg2713Thr (NM_001351834.2); c.641-26025C>G (NM_001330368.2); c.*38+124C>G (NM_001351110.2); short protein forms R2713T.
Identifiers: ClinVar variation 448987 (VCV000448987.22), dbSNP rs876659351, ClinGen allele CA382562221.

ClinVar aggregate classification (germline): Uncertain significance. Review status: criteria provided, multiple submitters, no conflicts (2 of 4 stars). 5 submissions from 5 submitters: Uncertain significance (5). Last evaluated 2025-12-16.

Conditions:
Hereditary cancer-predisposing syndrome. Also called: Neoplastic Syndromes, Hereditary; Hereditary Cancer Syndrome; Tumor predisposition; Hereditary neoplastic syndrome. Identifiers: Orphanet 140162, MedGen C0027672, MeSH D009386, MONDO:0015356.
Familial cancer of breast. Also called: Hereditary breast cancer; BREAST CANCER, FAMILIAL; hereditary breast carcinoma. Identifiers: Orphanet 227535, MedGen C0346153, MONDO:0016419, OMIM 114480. Disease mechanism: loss of function.
Ataxia-telangiectasia syndrome (AT). Also called: LOUIS-BAR SYNDROME; Cerebello-oculocutaneous telangiectasia; Immunodeficiency with ataxia telangiectasia; Ataxia-telangiectasia, complementation group D; AT, COMPLEMENTATION GROUP C; Ataxia-telangiectasia, complementation group E. Identifiers: Orphanet 100, MedGen C0004135, MONDO:0008840, OMIM 208900.

Allele frequency attached by ClinVar (database versions not stated): gnomAD exomes below 0.00001.
gnomAD v4.1: 11 of 1,614,060 alleles (0.00068%); highest among the groups gnomAD compares: Non-Finnish European, 0.00093%; no homozygotes.

Submissions (5):

Labcorp Genetics (formerly Invitae), Labcorp
Classification: Uncertain significance for Ataxia-telangiectasia syndrome. Last evaluated: 2025-12-16. Review status: criteria provided, single submitter. Criteria: Invitae Variant Classification Sherloc (09022015). Collection method: clinical testing. Allele origin: germline.
Comment: This sequence change replaces arginine, which is basic and polar, with threonine, which is neutral and polar, at codon 2713 of the ATM protein (p.Arg2713Thr). This variant is present in population databases (no rsID available, gnomAD 0.0009%). This variant has not been reported in the literature in individuals affected with ATM-related conditions. ClinVar contains an entry for this variant (Variation ID: 448987). Invitae Evidence Modeling of protein sequence and biophysical properties (such as structural, functional, and spatial information, amino acid conservation, physicochemical variation, residue mobility, and thermodynamic stability) has been performed for this missense variant. However, the output from this modeling did not meet the statistical confidence thresholds required to predict the impact of this variant on ATM protein function. In summary, the available evidence is currently insufficient to determine the role of this variant in disease. Therefore, it has been classified as a Variant of Uncertain Significance.

Ambry Genetics
Classification: Uncertain significance for Hereditary cancer-predisposing syndrome. Last evaluated: 2025-09-25. Review status: criteria provided, single submitter. Criteria: Ambry Variant Classification Scheme 2023. Collection method: clinical testing. Allele origin: germline.
Comment: The p.R2713T variant (also known as c.8138G>C), located in coding exon 54 of the ATM gene, results from a G to C substitution at nucleotide position 8138. The arginine at codon 2713 is replaced by threonine, an amino acid with similar properties. This amino acid position is highly conserved in available vertebrate species. In addition, this alteration is predicted to be deleterious by in silico analysis. Since supporting evidence is limited at this time, the clinical significance of this alteration remains unclear.

Baylor Genetics
Classification: Uncertain significance for Familial cancer of breast. Last evaluated: 2024-02-23. Review status: criteria provided, single submitter. Criteria: ACMG Guidelines, 2015. Collection method: clinical testing. Allele origin: unknown.

GeneDx
Classification: Uncertain significance. Last evaluated: 2023-08-02. Review status: criteria provided, single submitter. Criteria: GeneDx Variant Classification Process June 2021. Collection method: clinical testing. Allele origin: germline. Affected: yes.
Comment: Not observed at significant frequency in large population cohorts (gnomAD); In silico analysis supports that this missense variant has a deleterious effect on protein structure/function; Has not been previously published as pathogenic or benign to our knowledge; This variant is associated with the following publications: (PMID: 16631465, 23532176)

Color Diagnostics, LLC DBA Color Health
Classification: Uncertain significance for Hereditary cancer-predisposing syndrome. Last evaluated: 2022-12-07. Review status: criteria provided, single submitter. Criteria: ACMG Guidelines, 2015. Collection method: clinical testing. Allele origin: germline.
Comment: This missense variant replaces arginine with threonine at codon 2713 of the ATM protein. Computational prediction suggests that this variant may have deleterious impact on protein structure and function (internally defined REVEL score threshold >= 0.7, PMID: 27666373). Splice site prediction tools suggest that this variant may not impact RNA splicing. To our knowledge, functional studies have not been performed for this variant. This variant has not been reported in individuals affected with hereditary cancer in the literature. This variant has been identified in 1/251372 chromosomes in the general population by the Genome Aggregation Database (gnomAD). The available evidence is insufficient to determine the role of this variant in disease conclusively. Therefore, this variant is classified as a Variant of Uncertain Significance.